The following is an entry in ClinVar:

NM_001015880.2(PAPSS2):c.1286A>G (p.Asp429Gly)

Gene: PAPSS2 (3'-phosphoadenosine 5'-phosphosulfate synthase 2; plus strand). Cytogenetic location: 10q23.31.
Variant type: single nucleotide variant.
Coding change: c.1286A>G on transcript NM_001015880.2 (MANE Select); coding-DNA position 1286, A replaced by G.
Protein change: p.Asp429Gly; replaces aspartic acid 429 with glycine.
Molecular consequence: missense variant.
Genome position (GRCh38, 1-based): chr10:87,743,436, A>G. VCF-style: chr10-87743436-A-G. GRCh37 (hg19) VCF-style: chr10-89503193-A-G.
Other names: c.1271A>G, p.Asp424Gly (NM_004670.4); short protein forms D424G, D429G.
Identifiers: ClinVar variation 2860064 (VCV002860064.3), dbSNP rs201906347, ClinGen allele CA211240849.
Genomic context (GRCh38, chr10:87,743,436, plus strand): 5'-CGGTGTTTGCATTCCAGTTGCGCAATCCTGTCCACAATGGCCATGCCCTGTTGATGCAGG[A>G]CACTCGCCGCAGGCTCCTAGAGAGGGGCTACAAGCACCCGGTCCTCCTACTACACCCTCT-3'
Protein context (NP_001015880.1, residues 419-439): VHNGHALLMQ[Asp429Gly]TRRRLLERGY

ClinVar aggregate classification (germline): Uncertain significance (1 of 4 stars; one submission).

Conditions:
Spondyloepimetaphyseal dysplasia, PAPSS2 type. Also called: BRACHYOLMIA TYPE 4 WITH MILD EPIPHYSEAL AND METAPHYSEAL CHANGES; SPONDYLODYSPLASIA AND PREMATURE PUBARCHE; SEMD, PAKISTANI TYPE. Identifiers: Orphanet 93282, MedGen C2748516, MONDO:0019666, OMIM 612847.

Allele frequency attached by ClinVar (database versions not stated): gnomAD 0.00001; TOPMed 0.00001; 1000 Genomes Project 30x 0.00016; 1000 Genomes Project 0.00020.
gnomAD v4.1: 5 of 1,614,074 alleles (0.00031%); highest among the groups gnomAD compares: Admixed American, 0.0067%; no homozygotes.

Submission:

Labcorp Genetics (formerly Invitae), Labcorp
Classification: Uncertain significance for Spondyloepimetaphyseal dysplasia, PAPSS2 type. Last evaluated: 2023-02-03. Review status: criteria provided, single submitter. Criteria: Invitae Variant Classification Sherloc (09022015). Collection method: clinical testing. Allele origin: germline.
Comment: This variant has not been reported in the literature in individuals affected with PAPSS2-related conditions. Algorithms developed to predict the effect of missense changes on protein structure and function are either unavailable or do not agree on the potential impact of this missense change (SIFT: "Tolerated"; PolyPhen-2: "Probably Damaging"; Align-GVGD: "Class C0"). In summary, the available evidence is currently insufficient to determine the role of this variant in disease. Therefore, it has been classified as a Variant of Uncertain Significance. This variant is present in population databases (rs201906347, gnomAD 0.003%). This sequence change replaces aspartic acid, which is acidic and polar, with glycine, which is neutral and non-polar, at codon 429 of the PAPSS2 protein (p.Asp429Gly).